The following is an entry in ClinVar:

ClinVar aggregate classification (germline): Pathogenic (1 of 4 stars; one submission).

Conditions:
Peroxisome biogenesis disorder. Identifiers: Orphanet 79189, MedGen C1832200, MONDO:0019234. Disease mechanism: loss of function.

Submission:

Myriad Genetics, Inc.
Classification: Pathogenic for Peroxisome biogenesis disorder. Last evaluated: 2026-08-10. Review status: criteria provided, single submitter. Criteria: Myriad Autosomal Dominant, Autosomal Recessive and X-Linked Classification Criteria (2023). Collection method: clinical testing. Allele origin: unknown.
Comment: NM_000286.2(PEX12):c.421dupG(D141Gfs*2) is a frameshift variant classified as pathogenic in the context of peroxisome biogenesis disorder type 3. D141Gfs*2 has not been observed in cases with relevant disease. Relevant functional assessments of this variant are not available in the literature. D141Gfs*2 has not been observed in referenced population frequency databases. In summary, NM_000286.2(PEX12):c.421dupG(D141Gfs*2) is a frameshift variant in a gene where loss of function is a known mechanism of disease and is predicted to disrupt protein function. Please note: this variant was assessed in the context of healthy population screening.

NM_000286.3(PEX12):c.421dup (p.Asp141fs)

Gene: PEX12 (peroxisomal biogenesis factor 12; minus strand). Cytogenetic location: 17q12.
Variant type: Duplication.
Coding change: c.421dup on transcript NM_000286.3 (MANE Select); coding-DNA position 421, one base duplicated (G; older notation c.421dupG).
Protein change: p.Asp141fs; shifts the reading frame from aspartic acid 141.
Molecular consequence: frameshift variant.
Genome position (GRCh38, 1-based): chr17:35,577,297, C duplicated on the plus strand (G on the coding strand, the reverse complement: PEX12 is on the minus strand); the first of 2 consecutive C bases (chr17:35,577,297-35,577,298); duplicating either gives the same sequence. VCF-style (leftmost placement, unchanged base first): chr17-35577296-T-TC. GRCh37 (hg19) VCF-style: chr17-33904315-T-TC.
Other names: short protein forms D141fs.
Identifiers: ClinVar variation 5003906 (VCV005003906.1).